The following is an entry in ClinVar:

NM_003872.3(NRP2):c.2529C>T (p.Gly843=)

Gene: NRP2 (neuropilin 2; plus strand). Cytogenetic location: 2q33.3.
Variant type: single nucleotide variant.
Coding change: c.2529C>T on transcript NM_003872.3 (MANE Select); coding-DNA position 2529, C replaced by T.
Protein change: p.Gly843=; no amino-acid change (glycine 843 retained).
Molecular consequence: synonymous variant.
Genome position (GRCh38, 1-based): chr2:205,794,806, C>T. VCF-style: chr2-205794806-C-T. GRCh37 (hg19) VCF-style: chr2-206659530-C-T.
Other names: c.2544C>T, p.Gly848= (NM_201266.2); c.2478C>T, p.Gly826= (NM_201279.2).
Identifiers: ClinVar variation 3054930 (VCV003054930.2), dbSNP rs151213536, ClinGen allele CA2069602.

ClinVar aggregate classification (germline): Likely benign (0 of 4 stars; one submission).

Conditions:
NRP2-related disorder. Also called: NRP2-related condition.

Allele frequency attached by ClinVar (database versions not stated): TOPMed 0.00003; ESP Exome Variant Server 0.00008; gnomAD 0.00010; gnomAD exomes 0.00012; 1000 Genomes Project 30x 0.00031; ExAC 0.00031; 1000 Genomes Project 0.00040.

Submission:

PreventionGenetics, part of Exact Sciences
Classification: Likely benign for NRP2-related condition. Last evaluated: 2023-07-18. Review status: no assertion criteria provided. Collection method: clinical testing. Allele origin: germline.
Comment: This variant is classified as likely benign based on ACMG/AMP sequence variant interpretation guidelines (Richards et al. 2015 PMID: 25741868, with internal and published modifications).